The following is an entry in ClinVar:

ClinVar aggregate classification (germline): Uncertain significance (1 of 4 stars; one submission).

Conditions:
Oligodontia-cancer predisposition syndrome. Also called: TOOTH AGENESIS-COLORECTAL CANCER SYNDROME. Identifiers: Orphanet 300576, MedGen C1837750, MONDO:0012075, OMIM 608615. Disease mechanism: loss of function.

Submission:

Labcorp Genetics (formerly Invitae), Labcorp
Classification: Uncertain significance for Oligodontia-cancer predisposition syndrome. Last evaluated: 2025-04-02. Review status: criteria provided, single submitter. Criteria: Invitae Variant Classification Sherloc (09022015). Collection method: clinical testing. Allele origin: germline.
Comment: This sequence change replaces proline, which is neutral and non-polar, with serine, which is neutral and polar, at codon 22 of the AXIN2 protein (p.Pro22Ser). This variant is not present in population databases (gnomAD no frequency). This variant has not been reported in the literature in individuals affected with AXIN2-related conditions. ClinVar contains an entry for this variant (Variation ID: 852328). Invitae Evidence Modeling of protein sequence and biophysical properties (such as structural, functional, and spatial information, amino acid conservation, physicochemical variation, residue mobility, and thermodynamic stability) indicates that this missense variant is expected to disrupt AXIN2 protein function with a positive predictive value of 80%. In summary, the available evidence is currently insufficient to determine the role of this variant in disease. Therefore, it has been classified as a Variant of Uncertain Significance.

NM_004655.4(AXIN2):c.64C>T (p.Pro22Ser)

Gene: AXIN2 (axin 2; minus strand). Cytogenetic location: 17q24.1.
Variant type: single nucleotide variant.
Coding change: c.64C>T on transcript NM_004655.4 (MANE Select); coding-DNA position 64, C replaced by T.
Protein change: p.Pro22Ser; replaces proline 22 with serine.
Molecular consequence: missense variant.
Genome position (GRCh38, 1-based): chr17:65,558,557, G>A on the plus strand (C>T on the coding strand, the complement: AXIN2 is on the minus strand). VCF-style: chr17-65558557-G-A. GRCh37 (hg19) VCF-style: chr17-63554675-G-A.
Other names: c.64C>T, p.Pro22Ser (NM_001363813.1); short protein forms P22S.
Identifiers: ClinVar variation 852328 (VCV000852328.10), dbSNP rs2044311290, ClinGen allele CA400682310.